The following is an entry in ClinVar:

NM_032608.7(MYO18B):c.1925G>A (p.Arg642Gln)

Gene: MYO18B (myosin XVIIIB; plus strand). Cytogenetic location: 22q12.1.
Variant type: single nucleotide variant.
Coding change: c.1925G>A on transcript NM_032608.7 (MANE Select); coding-DNA position 1925, G replaced by A.
Protein change: p.Arg642Gln; replaces arginine 642 with glutamine.
Molecular consequence: missense variant.
Genome position (GRCh38, 1-based): chr22:25,777,638, G>A. VCF-style: chr22-25777638-G-A. GRCh37 (hg19) VCF-style: chr22-26173605-G-A.
Other names: c.1925G>A, p.Arg642Gln (NM_001318245.2); c.1925G>A (NM_032608.5); short protein forms R642Q.
Identifiers: ClinVar variation 1506077 (VCV001506077.5), dbSNP rs543606389, ClinGen allele CA10160011.

ClinVar aggregate classification (germline): Uncertain significance. Review status: criteria provided, multiple submitters, no conflicts (2 of 4 stars). 2 submissions from 2 submitters: Uncertain significance (2). Last evaluated 2025-04-25.

Conditions:
Inborn genetic diseases. Identifiers: MedGen C0950123, MeSH D030342.

Allele frequency attached by ClinVar (database versions not stated): gnomAD 0.00002 and 0.00003; gnomAD exomes 0.00003 and 0.00004; 1000 Genomes Project 30x 0.00016; 1000 Genomes Project 0.00020; TOPMed 0.00001; ExAC 0.00004.
gnomAD v4.1: 39 of 1,611,712 alleles (0.0024%); highest among the groups gnomAD compares: Middle Eastern, 0.017%; no homozygotes.

Submissions (2):

Ambry Genetics
Classification: Uncertain significance for Inborn genetic diseases. Last evaluated: 2025-04-25. Review status: criteria provided, single submitter. Criteria: Ambry Variant Classification Scheme 2023. Collection method: clinical testing. Allele origin: germline.

Labcorp Genetics (formerly Invitae), Labcorp
Classification: Uncertain significance. Last evaluated: 2024-12-05. Review status: criteria provided, single submitter. Criteria: Invitae Variant Classification Sherloc (09022015). Collection method: clinical testing. Allele origin: germline.
Comment: This sequence change replaces arginine, which is basic and polar, with glutamine, which is neutral and polar, at codon 642 of the MYO18B protein (p.Arg642Gln). This variant is present in population databases (rs543606389, gnomAD 0.007%). This variant has not been reported in the literature in individuals affected with MYO18B-related conditions. ClinVar contains an entry for this variant (Variation ID: 1506077). An algorithm developed to predict the effect of missense changes on protein structure and function outputs the following: PolyPhen-2: "Benign". The glutamine amino acid residue is found in multiple mammalian species, which suggests that this missense change does not adversely affect protein function. In summary, the available evidence is currently insufficient to determine the role of this variant in disease. Therefore, it has been classified as a Variant of Uncertain Significance.